The following is an entry in ClinVar:

ClinVar aggregate classification (germline): Conflicting classifications of pathogenicity. Review status: criteria provided, conflicting classifications (1 of 4 stars). 4 submissions from 4 submitters: Pathogenic (2); Likely pathogenic (1); Uncertain significance (1). Last evaluated 2024-01-18.

Conditions:
UDPglucose-4-epimerase deficiency. Also called: UDPglucose 4-Epimerase Deficiency Disease; Epimerase Deficiency Galactosemia; UDP-GALACTOSE-4-EPIMERASE DEFICIENCY; Galactose epimerase deficiency; GALACTOSEMIA III; GALE DEFICIENCY. Identifiers: Orphanet 352, Orphanet 79238, MedGen C0751161, MONDO:0009257, OMIM 230350.

Allele frequency attached by ClinVar (database versions not stated): TOPMed 0.00002.
gnomAD v4.1: 15 of 1,614,190 alleles (0.00093%); highest among the groups gnomAD compares: Admixed American, 0.01%; no homozygotes.

Submissions (4):

Labcorp Genetics (formerly Invitae), Labcorp
Classification: Pathogenic for UDPglucose-4-epimerase deficiency. Last evaluated: 2024-01-18. Review status: criteria provided, single submitter. Criteria: Invitae Variant Classification Sherloc (09022015). Collection method: clinical testing. Allele origin: germline.
Comment: This sequence change creates a premature translational stop signal (p.Tyr136*) in the GALE gene. It is expected to result in an absent or disrupted protein product. Loss-of-function variants in GALE are known to be pathogenic (PMID: 16301867). This variant is present in population databases (rs727503943, gnomAD 0.01%). This variant has not been reported in the literature in individuals affected with GALE-related conditions. ClinVar contains an entry for this variant (Variation ID: 167124). For these reasons, this variant has been classified as Pathogenic.

Dasa
Classification: Likely pathogenic for UDPglucose-4-epimerase deficiency. Last evaluated: 2022-11-03. Review status: criteria provided, single submitter. Criteria: ACMG Guidelines, 2015. Collection method: clinical testing. Allele origin: germline. Affected: yes. Observed: 1 variant allele.
Comment: The c.408C>A;p.(Tyr136*) variant creates a premature translational stop signal in the GALE gene. It is expected to result in an absent or disrupted protein product - PVS1.This variant is not present in population databases (rs727503943, gnomAD; ABraOM no frequency) - PM2. In summary, the currently available evidence indicates that the variant is likely pathogenic.

Mendelics
Classification: Uncertain significance. Last evaluated: 2022-05-04. Review status: criteria provided, single submitter. Criteria: Mendelics Assertion Criteria 2019. Collection method: clinical testing. Allele origin: germline.

Eurofins Ntd Llc (ga)
Classification: Pathogenic. Last evaluated: 2014-01-21. Review status: criteria provided, single submitter. Criteria: EGL Classification Definitions 2015. Collection method: clinical testing. Allele origin: germline. Observed: 5 variant alleles, 5 heterozygotes.

Literature cited by the submitters: PubMed 16301867 (cited by Labcorp Genetics (formerly Invitae), Labcorp).

NM_001008216.2(GALE):c.408C>A (p.Tyr136Ter)

Gene: GALE (UDP-galactose-4-epimerase; minus strand). Cytogenetic location: 1p36.11.
Variant type: single nucleotide variant.
Coding change: c.408C>A on transcript NM_001008216.2 (MANE Select); coding-DNA position 408, C replaced by A.
Protein change: p.Tyr136Ter; replaces tyrosine 136 with a stop codon.
Molecular consequence: nonsense.
Genome position (GRCh38, 1-based): chr1:23,797,815, G>T on the plus strand (C>A on the coding strand, the complement: GALE is on the minus strand). VCF-style: chr1-23797815-G-T. GRCh37 (hg19) VCF-style: chr1-24124305-G-T.
Other names: c.408C>A, p.Tyr136Ter (NM_000403.4, NM_001127621.2); short protein forms Y136*.
Identifiers: ClinVar variation 167124 (VCV000167124.12), dbSNP rs727503943, ClinGen allele CA273329.